The following is an entry in ClinVar:

NM_002241.5(KCNJ10):c.221C>T (p.Thr74Ile)

Gene: KCNJ10 (potassium inwardly rectifying channel subfamily J member 10; minus strand). Cytogenetic location: 1q23.2.
Variant type: single nucleotide variant.
Coding change: c.221C>T on transcript NM_002241.5 (MANE Select); coding-DNA position 221, C replaced by T.
Protein change: p.Thr74Ile; replaces threonine 74 with isoleucine.
Molecular consequence: missense variant.
Genome position (GRCh38, 1-based): chr1:160,042,312, G>A on the plus strand (C>T on the coding strand, the complement: KCNJ10 is on the minus strand). VCF-style: chr1-160042312-G-A. GRCh37 (hg19) VCF-style: chr1-160012102-G-A.
Other names: p.T74I:ACC>ATC; short protein forms T74I.
Identifiers: ClinVar variation 205818 (VCV000205818.10), dbSNP rs796052604, ClinGen allele CA315263.
Genomic context (GRCh38, chr1:160,042,312, plus strand): 5'-CCATGTGCCACAGCTACCAGATACCACACCACGCCAAAGAGGAACCATGTGCCTGCAAAG[G>A]TCGCAGAGAAGAGCAGAAGCTTGTAGCGCCACTGCATGTCAATGAAGGTTGTCCACAGGT-3'
Protein context (NP_002232.2, residues 64-84): WRYKLLLFSA[Thr74Ile]FAGTWFLFGV

ClinVar aggregate classification (germline): Conflicting classifications of pathogenicity. Review status: criteria provided, conflicting classifications (1 of 4 stars). 2 submissions from 2 submitters: Likely pathogenic (1); Uncertain significance (1). Last evaluated 2020-02-22.

Conditions:
EAST syndrome (SESAMES). Also called: SEIZURES, SENSORINEURAL DEAFNESS, ATAXIA, IMPAIRED INTELLECTUAL DEVELOPMENT, AND ELECTROLYTE IMBALANCE. Identifiers: Orphanet 199343, MedGen C2748572, MONDO:0013005, OMIM 612780.

Allele frequency attached by ClinVar (database versions not stated): TOPMed below 0.00001; gnomAD 0.00001.
gnomAD v4.1: 1 of 1,613,492 alleles (0.000062%); highest among the groups gnomAD compares: Non-Finnish European, 0.000085%; no homozygotes.

Submissions (2):

Labcorp Genetics (formerly Invitae), Labcorp
Classification: Uncertain significance for EAST syndrome. Last evaluated: 2020-02-22. Review status: criteria provided, single submitter. Criteria: Invitae Variant Classification Sherloc (09022015). Collection method: clinical testing. Allele origin: germline.
Comment: In summary, the available evidence is currently insufficient to determine the role of this variant in disease. Therefore, it has been classified as a Variant of Uncertain Significance. Algorithms developed to predict the effect of missense changes on protein structure and function do not agree on the potential impact of this missense change (SIFT: "Deleterious"; PolyPhen-2: "Probably Damaging"; Align-GVGD: "Class C15"). This variant has not been reported in the literature in individuals with KCNJ10-related disease. ClinVar contains an entry for this variant (Variation ID: 205818). This variant is not present in population databases (ExAC no frequency). This sequence change replaces threonine with isoleucine at codon 74 of the KCNJ10 protein (p.Thr74Ile). The threonine residue is highly conserved and there is a moderate physicochemical difference between threonine and isoleucine.

GeneDx
Classification: Likely pathogenic. Last evaluated: 2014-04-15. Review status: criteria provided, single submitter. Criteria: GeneDx Variant Classification (06012015). Collection method: clinical testing. Allele origin: germline. Affected: yes.
Comment: p.Thr74Ile (ACC>ATC): c.221 C>T in exon 2 of the KCNJ10 gene (NM_002241.4). The T74I variant has not been published as a mutation, nor has it been reported as a benign polymorphism to our knowledge. It was not observed in approximately 6,500 individuals of European and African American ancestry in the NHLBI Exome Sequencing Project, indicating it is not a common benign variant in these populations. The T74I variant is a non-conservative amino acid substitution, which is likely to impact secondary protein structure as these residues differ in polarity, charge, size and/or other properties. This substitution occurs at a position that is conserved in mammals in the M1 transmembrane domain of the KCNJ10 protein and missense mutations in nearby residues (V84M, G77R, F75L) have been reported in association with epilepsy, supporting the functional importance of this region of the KCNJ10 protein. In addition, in silico analysis predicts this variant is probably damaging to the protein structure/function. Therefore, this variant is a strong candidate for a pathogenic mutation, however the possibility that it is a benign variant cannot be excluded. The variant is found in EPILEPSY panel(s).